The following is an entry in ClinVar:

ClinVar aggregate classification (germline): Likely pathogenic (1 of 4 stars; one submission).

Conditions:
Metaphyseal chondrodysplasia, McKusick type (CHH). Also called: Cartilage-Hair Hypoplasia (CHH); Cartilage-hair hypoplasia. Identifiers: Orphanet 175, MedGen C0220748, MONDO:0009595, OMIM 250250.

Submission:

Women's Health and Genetics/Laboratory Corporation of America, LabCorp
Classification: Likely pathogenic for Metaphyseal chondrodysplasia, McKusick type. Last evaluated: 2024-09-27. Review status: criteria provided, single submitter. Criteria: LabCorp Variant Classification Summary - May 2015. Collection method: clinical testing. Allele origin: germline.
Comment: Variant summary: RMRP n.-24_4dup28 (also known as NC_000009.11: g.35658012_35658039dup28) is located in the promoter region of the RMRP gene which is located between the TATA box (at position -33 to -25) and the transcription initiation site (at +1). Other insertions or duplications in the promoter region of RMRP have been classified as pathogenic (internally and in ClinVar). The variant was absent in 128262 control chromosomes. To our knowledge, no occurrence of n.-24_4dup28 in individuals affected with Cartilage-Hair Hypoplasia and no experimental evidence demonstrating its impact on protein function have been reported. Many other insertions or duplications in the promoter region of RMRP have been reported in affected individuals in the literature (e.g. PMIDs: 21956908, 21396580) and have been demonstrated through functional studies to lead to reduced RMRP transcription (e.g. PMIDs: 11207361, 16254002). No submitters have cited clinical-significance assessments for this variant to ClinVar. Based on the evidence outlined above, the variant was classified as likely pathogenic.

NC_000009.12:g.35658016_35658043dup

Gene: RMRP (RNA component of mitochondrial RNA processing endoribonuclease; minus strand). Cytogenetic location: 9p13.3.
Variant type: Duplication.
Genome position: GRCh38 VCF-style: chr9-35658014-G-GAACCACGTCCTCAGCTTCACAGAGTAGT. GRCh37 (hg19) VCF-style: chr9-35658011-G-GAACCACGTCCTCAGCTTCACAGAGTAGT.
Identifiers: ClinVar variation 3375101 (VCV003375101.1).